The following is an entry in ClinVar:

NM_000038.6(APC):c.3437G>A (p.Arg1146His)

Gene: APC (APC regulator of Wnt signaling pathway; plus strand). Cytogenetic location: 5q22.2.
Variant type: single nucleotide variant.
Coding change: c.3437G>A on transcript NM_000038.6 (MANE Select); coding-DNA position 3437, G replaced by A.
Protein change: p.Arg1146His; replaces arginine 1146 with histidine.
Molecular consequence: missense variant.
Genome position (GRCh38, 1-based): chr5:112,839,031, G>A. VCF-style: chr5-112839031-G-A. GRCh37 (hg19) VCF-style: chr5-112174728-G-A.
Other names: c.3437G>A, p.Arg1146His (NM_001127510.3, NM_001354895.2); c.3383G>A, p.Arg1128His (NM_001127511.3); c.3491G>A, p.Arg1164His (NM_001354896.2); c.3467G>A, p.Arg1156His (NM_001354897.2); c.3362G>A, p.Arg1121His (NM_001354898.2); c.3353G>A, p.Arg1118His (NM_001354899.2); c.3314G>A, p.Arg1105His (NM_001354900.2); c.3260G>A, p.Arg1087His (NM_001354901.2); and 5 more; short protein forms R1128H, R1146H, R1020H, R1164H, R1045H, R1118H, R1156H, R1087H.
Identifiers: ClinVar variation 411568 (VCV000411568.38), dbSNP rs763486328, ClinGen allele CA035390.

ClinVar aggregate classification (germline): Uncertain significance. Review status: criteria provided, multiple submitters, no conflicts (2 of 4 stars). 10 submissions from 10 submitters: Uncertain significance (9). 1 of the submissions does not count toward it. Last evaluated 2025-07-20.

Conditions:
APC-Associated Polyposis Disorders.
Hereditary cancer-predisposing syndrome. Also called: Tumor predisposition; Hereditary Cancer Syndrome; Hereditary neoplastic syndrome; Neoplastic Syndromes, Hereditary. Identifiers: Orphanet 140162, MedGen C0027672, MeSH D009386, MONDO:0015356.
Familial adenomatous polyposis 1 (FAP1). Also called: FAMILIAL ADENOMATOUS POLYPOSIS 1, ATTENUATED; POLYPOSIS, ADENOMATOUS INTESTINAL. Identifiers: MedGen C2713442, MONDO:0021056, OMIM 175100. Disease mechanism: loss of function.
APC-related disorder. Also called: APC-related condition.
Familial colorectal cancer. Identifiers: MedGen CN280943, MONDO:0023113. Disease mechanism: loss of function.
Classic or attenuated familial adenomatous polyposis. Identifiers: MedGen CN372698, MONDO:0021057.

Allele frequency attached by ClinVar (database versions not stated): TOPMed below 0.00001; gnomAD exomes 0.00002; ExAC 0.00003.
gnomAD v4.1: 42 of 1,614,014 alleles (0.0026%); highest among the groups gnomAD compares: Non-Finnish European, 0.0033%; no homozygotes.

Submissions (10):

Ambry Genetics
Classification: Uncertain significance for Hereditary cancer-predisposing syndrome. Last evaluated: 2025-07-20. Review status: criteria provided, single submitter. Criteria: Ambry Variant Classification Scheme 2023. Collection method: clinical testing. Allele origin: germline.
Comment: The p.R1146H variant (also known as c.3437G>A), located in coding exon 15 of the APC gene, results from a G to A substitution at nucleotide position 3437. The arginine at codon 1146 is replaced by histidine, an amino acid with highly similar properties. This amino acid position is highly conserved in available vertebrate species. In addition, in silico predictors for this gene do not accurately predict pathogenicity. Since supporting evidence is limited at this time, the clinical significance of this alteration remains unclear.

Color Diagnostics, LLC DBA Color Health
Classification: Uncertain significance for Hereditary cancer-predisposing syndrome. Last evaluated: 2025-06-17. Review status: criteria provided, single submitter. Criteria: ACMG Guidelines, 2015. Collection method: clinical testing. Allele origin: germline.
Comment: This missense variant replaces arginine with histidine at codon 1146 of the APC protein. Computational prediction is inconclusive regarding the impact of this variant on protein structure and function. To our knowledge, functional studies have not been reported for this variant. This variant has not been reported in individuals affected with APC-related disorders in the literature. This variant has been identified in 4/250902 chromosomes in the general population by the Genome Aggregation Database (gnomAD). The available evidence is insufficient to determine the role of this variant in disease conclusively. Therefore, this variant is classified as a Variant of Uncertain Significance.

Quest Diagnostics Nichols Institute San Juan Capistrano
Classification: Uncertain significance. Last evaluated: 2025-02-05. Review status: criteria provided, single submitter. Criteria: Quest Diagnostics criteria. Collection method: clinical testing. Allele origin: unknown.
Comment: The APC c.3437G>A (p.Arg1146His) variant has been reported in the published literature in individuals with an unspecified advanced cancer (PMID: 28873162 (2017)) and cutaneous melanoma (PMID: 29684080 (2018)). The frequency of this variant in the general population (Genome Aggregation Database) is uninformative in the assessment of its pathogenicity. Analysis of this variant using bioinformatics tools for the prediction of the effect of amino acid changes on protein structure and function yielded conflicting predictions that this variant is benign or damaging. Based on the available information, we are unable to determine the clinical significance of this variant.

Labcorp Genetics (formerly Invitae), Labcorp
Classification: Uncertain significance for Familial adenomatous polyposis 1. Last evaluated: 2024-12-09. Review status: criteria provided, single submitter. Criteria: Invitae Variant Classification Sherloc (09022015). Collection method: clinical testing. Allele origin: germline.
Comment: This sequence change replaces arginine, which is basic and polar, with histidine, which is basic and polar, at codon 1146 of the APC protein (p.Arg1146His). This variant is present in population databases (rs763486328, gnomAD 0.006%). This variant has not been reported in the literature in individuals affected with APC-related conditions. ClinVar contains an entry for this variant (Variation ID: 411568). Invitae Evidence Modeling of protein sequence and biophysical properties (such as structural, functional, and spatial information, amino acid conservation, physicochemical variation, residue mobility, and thermodynamic stability) indicates that this missense variant is not expected to disrupt APC protein function with a negative predictive value of 95%. In summary, the available evidence is currently insufficient to determine the role of this variant in disease. Therefore, it has been classified as a Variant of Uncertain Significance.

All of Us Research Program, National Institutes of Health
Classification: Uncertain significance for Classic or attenuated familial adenomatous polyposis. Last evaluated: 2024-09-17. Review status: criteria provided, single submitter. Criteria: ACMG Guidelines, 2015. Collection method: clinical testing. Allele origin: germline. Inheritance: Autosomal dominant inheritance. Observed: 5 variant alleles, 5 heterozygotes.
Comment: This missense variant replaces arginine with histidine at codon 1146 of the APC protein. Computational prediction tool is inconclusive regarding the impact of this variant on protein structure and function (internally defined REVEL score threshold 0.5 < inconclusive < 0.7, PMID: 27666373). Splice site prediction tools suggest that this variant may not impact RNA splicing. To our knowledge, functional studies have not been performed for this variant. This variant has been reported in individuals affected with unspecified cancer (PMID: 28873162), or melanoma (PMID: 29684080). This variant has been identified in 4/250902 chromosomes in the general population by the Genome Aggregation Database (gnomAD). The available evidence is insufficient to determine the role of this variant in disease conclusively. Therefore, this variant is classified as a Variant of Uncertain Significance.

This study involves interpretation of variants in research participants for the purpose of population health screening. Participant phenotype was not available at the time of variant classification. Additional details can be found in publication PMID: 35346344, PMCID: PMC8962531

GeneDx
Classification: Uncertain significance. Last evaluated: 2024-05-05. Review status: criteria provided, single submitter. Criteria: GeneDx Variant Classification Process June 2021. Collection method: clinical testing. Allele origin: germline. Affected: yes.
Comment: Not observed at significant frequency in large population cohorts (gnomAD); In silico analysis supports that this missense variant does not alter protein structure/function; This variant is associated with the following publications: (PMID: 18199528, 22863191, 28873162, 29684080)

Genomic Research Center, Shahid Beheshti University of Medical Sciences
Classification: Uncertain significance for Familial colorectal cancer. Last evaluated: 2022-12-24. Review status: criteria provided, single submitter. Criteria: ACMG Guidelines, 2015. Collection method: clinical testing. Allele origin: unknown. Affected: yes. Observed: 1 variant allele.

Department of Pathology and Laboratory Medicine, Sinai Health System
Classification: Uncertain significance for classic or attenuated familial adenomatous polyposis. Last evaluated: 2021-02-05. Review status: criteria provided, single submitter. Criteria: ACMG Guidelines, 2015. Collection method: clinical testing. Allele origin: germline. Affected: yes.

Mendelics
Classification: Uncertain significance for Familial adenomatous polyposis 1. Last evaluated: 2019-05-28. Review status: criteria provided, single submitter. Criteria: Mendelics Assertion Criteria 2017. Collection method: clinical testing. Allele origin: unknown.

PreventionGenetics, part of Exact Sciences
Classification: Uncertain significance for APC-related condition. Last evaluated: 2024-01-06. Review status: no assertion criteria provided. Collection method: clinical testing. Allele origin: germline. Not counted in ClinVar's aggregate classification.
Comment: The APC c.3437G>A variant is predicted to result in the amino acid substitution p.Arg1146His. This variant was reported in an individual with unspecified cancer (eTable in Supplement 2, Mandelker et al. 2017. PubMed ID: 28873162). This variant was also reported in a skin cutaneous melanoma specimen from The Cancer Genome Atlas (Table S9, Yehia et al. 2018. PubMed ID: 29684080). This variant is reported in 0.0054% of alleles in individuals of East Asian descent in gnomAD and is interpreted as uncertain significance in ClinVar. At this time, the clinical significance of this variant is uncertain due to the absence of conclusive functional and genetic evidence.

Literature cited by the submitters: PubMed 29684080 (cited by 3 submitters); PubMed 28873162 (cited by Quest Diagnostics Nichols Institute San Juan Capistrano and All of Us Research Program, National Institutes of Health).